The following is an entry in ClinVar:

ClinVar aggregate classification (germline): Uncertain significance (1 of 4 stars; one submission).

Conditions:
Combined oxidative phosphorylation defect type 17. Also called: Combined oxidative phosphorylation deficiency 17. Identifiers: Orphanet 369913, MedGen C3809526, MONDO:0014190, OMIM 615440.

Allele frequency attached by ClinVar (database versions not stated): gnomAD exomes below 0.00001 and 0.00001.
gnomAD v4.1: 3 of 1,614,140 alleles (0.00019%); highest among the groups gnomAD compares: Admixed American, 0.0033%; no homozygotes.

Submission:

Labcorp Genetics (formerly Invitae), Labcorp
Classification: Uncertain significance for Combined oxidative phosphorylation defect type 17. Last evaluated: 2022-02-24. Review status: criteria provided, single submitter. Criteria: Invitae Variant Classification Sherloc (09022015). Collection method: clinical testing. Allele origin: germline.
Comment: This sequence change replaces arginine, which is basic and polar, with lysine, which is basic and polar, at codon 231 of the ELAC2 protein (p.Arg231Lys). This variant is present in population databases (no rsID available, gnomAD 0.003%). This variant has not been reported in the literature in individuals affected with ELAC2-related conditions. Algorithms developed to predict the effect of missense changes on protein structure and function output the following: SIFT: "Tolerated"; PolyPhen-2: "Benign"; Align-GVGD: "Class C0". The lysine amino acid residue is found in multiple mammalian species, which suggests that this missense change does not adversely affect protein function. In summary, the available evidence is currently insufficient to determine the role of this variant in disease. Therefore, it has been classified as a Variant of Uncertain Significance.

NM_018127.7(ELAC2):c.692G>A (p.Arg231Lys)

Gene: ELAC2 (elaC ribonuclease Z 2; minus strand). Cytogenetic location: 17p12.
Variant type: single nucleotide variant.
Coding change: c.692G>A on transcript NM_018127.7 (MANE Select); coding-DNA position 692, G replaced by A.
Protein change: p.Arg231Lys; replaces arginine 231 with lysine.
Molecular consequence: missense variant.
Genome position (GRCh38, 1-based): chr17:13,010,659, C>T on the plus strand (G>A on the coding strand, the complement: ELAC2 is on the minus strand). VCF-style: chr17-13010659-C-T. GRCh37 (hg19) VCF-style: chr17-12913976-C-T.
Other names: c.572G>A, p.Arg191Lys (NM_001165962.2); c.692G>A, p.Arg231Lys (NM_173717.2); short protein forms R191K, R231K.
Identifiers: ClinVar variation 1386903 (VCV001386903.3), dbSNP rs1259675163, ClinGen allele CA398217005.